The following is an entry in ClinVar:

NM_001367479.1(DNAH14):c.1867del (p.Ser623fs)

Gene: DNAH14 (dynein axonemal heavy chain 14; plus strand). Cytogenetic location: 1q42.12.
Variant type: Deletion.
Coding change: c.1867del on transcript NM_001367479.1 (MANE Select); coding-DNA position 1867, one base deleted (T; older notation c.1867delT).
Protein change: p.Ser623fs; shifts the reading frame from serine 623.
Molecular consequence: frameshift variant.
Genome position (GRCh38, 1-based): chr1:225,043,938, T deleted; the last of 4 consecutive T bases (chr1:225,043,935-225,043,938); deleting any one gives the same sequence. VCF-style (leftmost placement, unchanged base first): chr1-225043934-GT-G. GRCh37 (hg19) VCF-style: chr1-225231636-GT-G.
Other names: NM_001373.1:c.1867delT; short protein forms S623fs.
Identifiers: ClinVar variation 2639943 (VCV002639943.25), dbSNP rs569001107, ClinGen allele CA1415736.

ClinVar aggregate classification (germline): Conflicting classifications of pathogenicity. Review status: criteria provided, conflicting classifications (1 of 4 stars). 3 submissions from 3 submitters: Likely pathogenic (1); Likely benign (1). 1 of the submissions does not count toward it. Last evaluated 2026-04-01.

Conditions:
DNAH14-related disorder. Also called: DNAH14-related condition.
Primary ciliary dyskinesia. Also called: Ciliary dyskinesia. Identifiers: Orphanet 244, MedGen C0008780, MONDO:0016575, HP:0012265.

Submissions (3):

Department of Human Genetics, Hannover Medical School
Classification: Likely pathogenic for Primary Ciliary Dyskinesia. Last evaluated: 2026-04-01. Review status: criteria provided, single submitter. Criteria: ACMG Guidelines, 2015. Collection method: research. Allele origin: germline. Affected: no.
Comment: Classification performed by HerediClassify using the following criteria:['PVS1_protein_very_strong: Transcript ENST00000682510 is predicted to undergo NMD.']

CeGaT Center for Human Genetics Tuebingen
Classification: Likely benign. Last evaluated: 2023-03-01. Review status: criteria provided, single submitter. Criteria: CeGaT Center For Human Genetics Tuebingen Variant Classification Criteria Version 2. Collection method: clinical testing. Allele origin: germline. Affected: yes. Observed: 1 variant allele.
Comment: DNAH14: BS2

PreventionGenetics, part of Exact Sciences
Classification: Likely benign for DNAH14-related condition. Last evaluated: 2024-04-09. Review status: no assertion criteria provided. Collection method: clinical testing. Allele origin: germline. Not counted in ClinVar's aggregate classification.
Comment: This variant is classified as likely benign based on ACMG/AMP sequence variant interpretation guidelines (Richards et al. 2015 PMID: 25741868, with internal and published modifications).